The following is an entry in ClinVar:

ClinVar aggregate classification (germline): Uncertain significance. Review status: criteria provided, multiple submitters, no conflicts (2 of 4 stars). 2 submissions from 2 submitters: Uncertain significance (2). Last evaluated 2024-12-01.

Allele frequency attached by ClinVar (database versions not stated): gnomAD 0.00001; gnomAD exomes 0.00001; ExAC 0.00002.
gnomAD v4.1: 7 of 1,209,923 alleles (0.00058%); highest among the groups gnomAD compares: Middle Eastern, 0.046%; no homozygotes.

Submissions (2):

CeGaT Center for Human Genetics Tuebingen
Classification: Uncertain significance. Last evaluated: 2024-12-01. Review status: criteria provided, single submitter. Criteria: CeGaT Center For Human Genetics Tuebingen Variant Classification Criteria Version 2. Collection method: clinical testing. Allele origin: germline. Affected: yes. Observed: 1 variant allele.
Comment: ARHGEF6: PP3

Genomic Medicine Center of Excellence, King Faisal Specialist Hospital and Research Centre
Classification: Uncertain significance. Last evaluated: 2016-09-28. Review status: criteria provided, single submitter. Criteria: ACMG Guidelines, 2015. Collection method: research. Allele origin: germline. Affected: yes.

NM_004840.3(ARHGEF6):c.553G>A (p.Asp185Asn)

Gene: ARHGEF6 (Rac/Cdc42 guanine nucleotide exchange factor 6; minus strand). Cytogenetic location: Xq26.3.
Variant type: single nucleotide variant.
Coding change: c.553G>A on transcript NM_004840.3 (MANE Select); coding-DNA position 553, G replaced by A.
Protein change: p.Asp185Asn; replaces aspartic acid 185 with asparagine.
Molecular consequence: missense variant.
Genome position (GRCh38, 1-based): chrX:136,743,693, C>T on the plus strand (G>A on the coding strand, the complement: ARHGEF6 is on the minus strand). VCF-style: chrX-136743693-C-T. GRCh37 (hg19) VCF-style: chrX-135825852-C-T.
Other names: c.91G>A, p.Asp31Asn (NM_001306177.2); short protein forms D185N, D31N.
Identifiers: ClinVar variation 191256 (VCV000191256.14), dbSNP rs755769516, ClinGen allele CA236368.
Genomic context (GRCh38, chrX:136,743,693, plus strand): 5'-TCCCATTTAATGTGCCTTCCCACCAGCCTCCTTCTTCAACTCGTGTGACGTAAATGATGT[C>T]CCCCTTACAAACTGACAGTTCATCCTCATTAGTCTGCTTAAAGTTGAATCTTGCTTTTAC-3'
Protein context (NP_004831.1, residues 175-195): NEDELSVCKG[Asp185Asn]IIYVTRVEEG